The following is an entry in ClinVar:

NM_001267550.2(TTN):c.30539-1G>A

Gene: TTN (titin; minus strand). Cytogenetic location: 2q31.2.
Variant type: single nucleotide variant.
Coding change: c.30539-1G>A on transcript NM_001267550.2 (MANE Select); the canonical splice acceptor site of the intron before coding-DNA position 30539, G replaced by A.
Molecular consequence: splice acceptor variant. On other transcripts: intron variant (3).
Genome position (GRCh38, 1-based): chr2:178,701,588, C>T on the plus strand (G>A on the coding strand, the complement: TTN is on the minus strand). VCF-style: chr2-178701588-C-T. GRCh37 (hg19) VCF-style: chr2-179566315-C-T.
Other names: c.13282+36494G>A (NM_003319.4); c.13858+36494G>A (NM_133437.4); c.13657+36494G>A (NM_133432.3); c.26807-1G>A (NM_133378.4); c.29588-1G>A (NM_001256850.1).
Identifiers: ClinVar variation 430491 (VCV000430491.2), dbSNP rs768372747, ClinGen allele CA1999113.

ClinVar aggregate classification (germline): Uncertain significance (1 of 4 stars; one submission).

Allele frequency attached by ClinVar (database versions not stated): gnomAD exomes below 0.00001; ExAC 0.00001.
gnomAD v4.1: 1 of 1,613,548 alleles (0.000062%); highest among the groups gnomAD compares: Non-Finnish European, 0.000085%; no homozygotes.

Submission:

GeneDx
Classification: Uncertain significance. Last evaluated: 2017-05-22. Review status: criteria provided, single submitter. Criteria: GeneDx Variant Classification (06012015). Collection method: clinical testing. Allele origin: germline. Affected: yes.
Comment: A variant of uncertain significance has been identified in the TTN gene. The c.26807-1 G>A variant has not been published as a pathogenic variant, nor has it been reported as a benign variant to our knowledge. The c.26807-1 G>A variant is not observed at a significant frequency in large population cohorts (Lek et al., 2016; 1000 Genomes Consortium et al., 2015; Exome Variant Server). The c.26807-1 G>A splice site variant in the TTN gene destroys the canonical splice acceptor site for intron 106. It is predicted to cause abnormal gene splicing, either leading to an abnormal message that is subject to nonsense-mediated mRNA decay, or to an abnormal protein product if the message is used for protein translation. However, in the absence of RNA/functional studies the actual effect of this change is unknown. Additionally, the c.26807-1 G>A variant is not located in the A-band nor the M-line region of titin, where the majority of pathogenic truncating variants have been reported. Therefore, based on the currently available information, it is unclear whether this variant is a pathogenic variant or a rare benign variant.